The following is an entry in ClinVar:

NM_001267550.2(TTN):c.84490G>A (p.Val28164Met)

Genes: TTN (titin; minus strand), TTN-AS1 (TTN antisense RNA 1; plus strand). Cytogenetic location: 2q31.2.
Variant type: single nucleotide variant.
Coding change: c.84490G>A on transcript NM_001267550.2 (MANE Select); coding-DNA position 84490, G replaced by A.
Protein change: p.Val28164Met; replaces valine 28164 with methionine.
Molecular consequence: missense variant.
Genome position (GRCh38, 1-based): chr2:178,561,642, C>T on the plus strand (G>A on the coding strand, the complement: TTN is on the minus strand). VCF-style: chr2-178561642-C-T. GRCh37 (hg19) VCF-style: chr2-179426369-C-T.
Other names: c.79567G>A, p.Val26523Met (NM_001256850.1); c.57295G>A, p.Val19099Met (NM_003319.4); c.76786G>A, p.Val25596Met (NM_133378.4); c.57670G>A, p.Val19224Met (NM_133432.3); c.57871G>A, p.Val19291Met (NM_133437.4); short protein forms V19099M, V19224M, V19291M, V25596M, V26523M, V28164M.
Identifiers: ClinVar variation 4682341 (VCV004682341.1).
Genomic context (GRCh38, chr2:178,561,642, plus strand): 5'-TTCCTCCATCATTAACTGGCACTTGCCAGGTTACAAGCATGGTAGATTTTGTGGCATGCA[C>T]AACTTTAGGAGTACCAGGAGGACCTGGGGGACTGAATGGATACTCTGCAACAACAGCTGA-3'
Protein context (NP_001254479.2, residues 28154-28174): PPGPPGTPKV[Val28164Met]HATKSTMLVT

ClinVar aggregate classification (germline): Uncertain significance (1 of 4 stars; one submission).

gnomAD v4.1: 1 of 1,610,248 alleles (0.000062%); highest among the groups gnomAD compares: Admixed American, 0.0017%; no homozygotes.

Submission:

Athena Diagnostics
Classification: Uncertain significance. Last evaluated: 2025-07-03. Review status: criteria provided, single submitter. Criteria: Athena Diagnostics Criteria. Collection method: clinical testing. Allele origin: unknown.
Comment: Available data are insufficient to determine the clinical significance of the variant at this time. This variant has not been reported in large, multi-ethnic general populations. Polyphen and MutationTaster predict this amino acid change may be benign.